The following is an entry in ClinVar:

NM_003816.3(ADAM9):c.2444A>G (p.Tyr815Cys)

Gene: ADAM9 (ADAM metallopeptidase domain 9; plus strand). Cytogenetic location: 8p11.22.
Variant type: single nucleotide variant.
Coding change: c.2444A>G on transcript NM_003816.3 (MANE Select); coding-DNA position 2444, A replaced by G.
Protein change: p.Tyr815Cys; replaces tyrosine 815 with cysteine.
Molecular consequence: missense variant. On other transcripts: non-coding transcript variant (3).
Genome position (GRCh38, 1-based): chr8:39,103,684, A>G. VCF-style: chr8-39103684-A-G. GRCh37 (hg19) VCF-style: chr8-38961203-A-G.
Other names: c.2444A>G (NM_003816.2); short protein forms Y815C.
Identifiers: ClinVar variation 1473068 (VCV001473068.10), dbSNP rs1196997549, ClinGen allele CA370739098.

ClinVar aggregate classification (germline): Uncertain significance. Review status: criteria provided, multiple submitters, no conflicts (2 of 4 stars). 2 submissions from 2 submitters: Uncertain significance (2). Last evaluated 2023-01-06.

Conditions:
Inborn genetic diseases. Identifiers: MedGen C0950123, MeSH D030342.

Allele frequency attached by ClinVar (database versions not stated): gnomAD exomes below 0.00001 and 0.00001; gnomAD 0.00001; TOPMed 0.00001.
gnomAD v4.1: 9 of 1,613,676 alleles (0.00056%); highest among the groups gnomAD compares: Non-Finnish European, 0.00076%; no homozygotes.

Submissions (2):

Ambry Genetics
Classification: Uncertain significance for Inborn genetic diseases. Last evaluated: 2023-01-06. Review status: criteria provided, single submitter. Criteria: Ambry Variant Classification Scheme 2023. Collection method: clinical testing. Allele origin: germline.

Labcorp Genetics (formerly Invitae), Labcorp
Classification: Uncertain significance. Last evaluated: 2022-07-12. Review status: criteria provided, single submitter. Criteria: Invitae Variant Classification Sherloc (09022015). Collection method: clinical testing. Allele origin: germline.
Comment: This variant has not been reported in the literature in individuals affected with ADAM9-related conditions. This variant is not present in population databases (gnomAD no frequency). This sequence change replaces tyrosine, which is neutral and polar, with cysteine, which is neutral and slightly polar, at codon 815 of the ADAM9 protein (p.Tyr815Cys). In summary, the available evidence is currently insufficient to determine the role of this variant in disease. Therefore, it has been classified as a Variant of Uncertain Significance. Algorithms developed to predict the effect of missense changes on protein structure and function are either unavailable or do not agree on the potential impact of this missense change (SIFT: "Deleterious"; PolyPhen-2: "Possibly Damaging"; Align-GVGD: "Class C0"). ClinVar contains an entry for this variant (Variation ID: 1473068).